The following is an entry in ClinVar:

ClinVar aggregate classification (germline): Uncertain significance (1 of 4 stars; one submission).

Conditions:
Hereditary cancer-predisposing syndrome. Also called: Hereditary Cancer Syndrome; Hereditary neoplastic syndrome; Neoplastic Syndromes, Hereditary; Tumor predisposition. Identifiers: Orphanet 140162, MedGen C0027672, MeSH D009386, MONDO:0015356.

gnomAD v4.1: 1 of 1,610,056 alleles (0.000062%); highest among the groups gnomAD compares: African/African-American, 0.0013%; no homozygotes.

Submission:

Ambry Genetics
Classification: Uncertain significance for Hereditary cancer-predisposing syndrome. Last evaluated: 2025-07-02. Review status: criteria provided, single submitter. Criteria: Ambry Variant Classification Scheme 2023. Collection method: clinical testing. Allele origin: germline.
Comment: The c.424-3C>T intronic variant results from a C to T substitution 3 nucleotides upstream from coding exon 6 in the CDC73 gene. This nucleotide position is not well conserved in available vertebrate species. In silico splice site analysis predicts that this alteration will not have any significant effect on splicing. Based on the available evidence, the clinical significance of this variant remains unclear.

NM_024529.5(CDC73):c.424-3C>T

Gene: CDC73 (cell division cycle 73; plus strand). Cytogenetic location: 1q31.2.
Variant type: single nucleotide variant.
Coding change: c.424-3C>T on transcript NM_024529.5 (MANE Select); 3 bases into the intron before coding-DNA position 424, C replaced by T.
Molecular consequence: intron variant.
Genome position (GRCh38, 1-based): chr1:193,138,082, C>T. VCF-style: chr1-193138082-C-T. GRCh37 (hg19) VCF-style: chr1-193107212-C-T.
Identifiers: ClinVar variation 4223468 (VCV004223468.1).
Genomic context (GRCh38, chr1:193,138,082, plus strand): 5'-GCGTTTTTTCTTCCTAAAAGTTCAATAAAAATTTTAAATGCATTAACCAGTGGTTATTTC[C>T]AGGATGAAGAGTGTGTGCGCCTTGATAAAGAGAGATTGGCTGCCCGTTTGGAGGGTCACA-3'